The following is an entry in ClinVar:

NM_004168.4(SDHA):c.1240C>T (p.Pro414Ser)

Gene: SDHA (succinate dehydrogenase complex flavoprotein subunit A; plus strand). Cytogenetic location: 5p15.33.
Variant type: single nucleotide variant.
Coding change: c.1240C>T on transcript NM_004168.4 (MANE Select); coding-DNA position 1240, C replaced by T.
Protein change: p.Pro414Ser; replaces proline 414 with serine.
Molecular consequence: missense variant.
Genome position (GRCh38, 1-based): chr5:235,319, C>T. VCF-style: chr5-235319-C-T. GRCh37 (hg19) VCF-style: chr5-235434-C-T.
Other names: c.1096C>T, p.Pro366Ser (NM_001294332.2); c.1240C>T, p.Pro414Ser (NM_001330758.2); short protein forms P414S, P366S.
Identifiers: ClinVar variation 1512264 (VCV001512264.12), dbSNP rs1735708028, ClinGen allele CA359013739.

ClinVar aggregate classification (germline): Uncertain significance. Review status: criteria provided, multiple submitters, no conflicts (2 of 4 stars). 3 submissions from 3 submitters: Uncertain significance (3). Last evaluated 2025-05-12.

Conditions:
Mitochondrial complex II deficiency, nuclear type 1. Also called: SUCCINATE CoQ REDUCTASE DEFICIENCY. Identifiers: Orphanet 3208, MedGen C5700310, MONDO:0100294, OMIM 252011.
Pheochromocytoma/paraganglioma syndrome 5. Also called: Paragangliomas 5; SDHA-Related Hereditary Paraganglioma-Pheochromocytoma Syndrome. Identifiers: Orphanet 29072, MedGen C3279992, MONDO:0013602, OMIM 614165.
Hereditary cancer-predisposing syndrome. Also called: Neoplastic Syndromes, Hereditary; Hereditary Cancer Syndrome; Hereditary neoplastic syndrome; Tumor predisposition. Identifiers: Orphanet 140162, MedGen C0027672, MeSH D009386, MONDO:0015356.

Allele frequency attached by ClinVar (database versions not stated): gnomAD exomes below 0.00001; TOPMed below 0.00001.
gnomAD v4.1: 3 of 1,614,182 alleles (0.00019%); highest among the groups gnomAD compares: Non-Finnish European, 0.00025%; no homozygotes.

Submissions (3):

Catlab - Consorci Sanitari de Terrassa
Classification: Uncertain significance for Hereditary cancer-predisposing syndrome. Last evaluated: 2025-05-12. Review status: criteria provided, single submitter. Criteria: ACMG Guidelines, 2015. Collection method: clinical testing. Allele origin: germline.
Comment: Based on the currently available information, this variant is classified as Variant of Uncertain Significance according to ACMG Richards 2015 guidelines. ACMG criteria: PP3, PM2_supp.

Labcorp Genetics (formerly Invitae), Labcorp
Classification: Uncertain significance for Pheochromocytoma/paraganglioma syndrome 5; Mitochondrial complex II deficiency, nuclear type 1. Last evaluated: 2025-05-05. Review status: criteria provided, single submitter. Criteria: Invitae Variant Classification Sherloc (09022015). Collection method: clinical testing. Allele origin: germline.
Comment: This sequence change replaces proline, which is neutral and non-polar, with serine, which is neutral and polar, at codon 414 of the SDHA protein (p.Pro414Ser). This variant is not present in population databases (gnomAD no frequency). This variant has not been reported in the literature in individuals affected with SDHA-related conditions. ClinVar contains an entry for this variant (Variation ID: 1512264). Invitae Evidence Modeling of protein sequence and biophysical properties (such as structural, functional, and spatial information, amino acid conservation, physicochemical variation, residue mobility, and thermodynamic stability) has been performed for this missense variant. However, the output from this modeling did not meet the statistical confidence thresholds required to predict the impact of this variant on SDHA protein function. In summary, the available evidence is currently insufficient to determine the role of this variant in disease. Therefore, it has been classified as a Variant of Uncertain Significance.

Ambry Genetics
Classification: Uncertain significance for Hereditary cancer-predisposing syndrome. Last evaluated: 2024-06-13. Review status: criteria provided, single submitter. Criteria: Ambry Variant Classification Scheme 2023. Collection method: clinical testing. Allele origin: germline.
Comment: The p.P414S variant (also known as c.1240C>T), located in coding exon 9 of the SDHA gene, results from a C to T substitution at nucleotide position 1240. The proline at codon 414 is replaced by serine, an amino acid with similar properties. This amino acid position is highly conserved in available vertebrate species. In addition, the in silico prediction for this alteration is inconclusive. Since supporting evidence is limited at this time, the clinical significance of this alteration remains unclear.